The following is an entry in ClinVar:

ClinVar aggregate classification (germline): Benign/Likely benign. Review status: criteria provided, multiple submitters, no conflicts (2 of 4 stars). 4 submissions from 4 submitters: Benign (1); Likely benign (3). Last evaluated 2026-06-01.

Allele frequency attached by ClinVar (database versions not stated): gnomAD exomes 0.00015 and 0.00045; ExAC 0.00060; 1000 Genomes Project 0.00180; gnomAD 0.00185 and 0.00192; 1000 Genomes Project 30x 0.00187; TOPMed 0.00195; ESP Exome Variant Server 0.00234.
gnomAD v4.1: 500 of 1,613,458 alleles (0.031%); highest among the groups gnomAD compares: African/African-American, 0.6%; no homozygotes.

Submissions (4):

CeGaT Center for Human Genetics Tuebingen
Classification: Likely benign. Last evaluated: 2026-06-01. Review status: criteria provided, single submitter. Criteria: CeGaT Center For Human Genetics Tuebingen Variant Classification Criteria Version 2. Collection method: clinical testing. Allele origin: germline. Affected: yes. Observed: 1 variant allele.
Comment: MPDZ: BP4, BP7

Labcorp Genetics (formerly Invitae), Labcorp
Classification: Benign. Last evaluated: 2026-01-20. Review status: criteria provided, single submitter. Criteria: Invitae Variant Classification Sherloc (09022015). Collection method: clinical testing. Allele origin: germline.

Women's Health and Genetics/Laboratory Corporation of America, LabCorp
Classification: Likely benign. Last evaluated: 2025-10-23. Review status: criteria provided, single submitter. Criteria: LabCorp Variant Classification Summary - May 2015. Collection method: clinical testing. Allele origin: germline.

Blueprint Genetics
Classification: Likely benign. Last evaluated: 2024-08-30. Review status: criteria provided, single submitter. Criteria: ACMG Guidelines, 2015. Collection method: clinical testing. Allele origin: germline.

NM_001378778.1(MPDZ):c.2265C>T (p.Asn755=)

Gene: MPDZ (multiple PDZ domain crumbs cell polarity complex component; minus strand). Cytogenetic location: 9p23.
Variant type: single nucleotide variant.
Coding change: c.2265C>T on transcript NM_001378778.1 (MANE Select); coding-DNA position 2265, C replaced by T.
Protein change: p.Asn755=; no amino-acid change (asparagine 755 retained).
Molecular consequence: synonymous variant.
Genome position (GRCh38, 1-based): chr9:13,188,883, G>A on the plus strand (C>T on the coding strand, the complement: MPDZ is on the minus strand). VCF-style: chr9-13188883-G-A. GRCh37 (hg19) VCF-style: chr9-13188882-G-A.
Other names: c.2265C>T, p.Asn755= (NM_001261406.2, NM_001261407.2, NM_001330637.2 and 14 more transcripts).
Identifiers: ClinVar variation 737224 (VCV000737224.15), dbSNP rs138592631, ClinGen allele CA4987513.